The following is an entry in ClinVar:

NM_004958.4(MTOR):c.6946C>T (p.Arg2316Ter)

Gene: MTOR (mechanistic target of rapamycin kinase; minus strand). Cytogenetic location: 1p36.22.
Variant type: single nucleotide variant.
Coding change: c.6946C>T on transcript NM_004958.4 (MANE Select); coding-DNA position 6946, C replaced by T.
Protein change: p.Arg2316Ter; replaces arginine 2316 with a stop codon.
Molecular consequence: nonsense.
Genome position (GRCh38, 1-based): chr1:11,117,074, G>A on the plus strand (C>T on the coding strand, the complement: MTOR is on the minus strand). VCF-style: chr1-11117074-G-A. GRCh37 (hg19) VCF-style: chr1-11177131-G-A.
Other names: c.6946C>T (LRG_734t1); short protein forms R2316*.
Identifiers: ClinVar variation 646443 (VCV000646443.6), dbSNP rs1570913363, ClinGen allele CA338383788.

ClinVar aggregate classification (germline): Uncertain significance (1 of 4 stars; one submission).

Allele frequency attached by ClinVar (database versions not stated): gnomAD exomes below 0.00001.
gnomAD v4.1: 1 of 1,612,430 alleles (0.000062%); highest among the groups gnomAD compares: Non-Finnish European, 0.000085%; no homozygotes.

Submission:

Labcorp Genetics (formerly Invitae), Labcorp
Classification: Uncertain significance. Last evaluated: 2018-12-13. Review status: criteria provided, single submitter. Criteria: Invitae Variant Classification Sherloc (09022015). Collection method: clinical testing. Allele origin: germline.
Comment: This sequence change creates a premature translational stop signal (p.Arg2316*) in the MTOR gene. It is expected to result in an absent or disrupted protein product. In summary, the available evidence is currently insufficient to determine the role of this variant in disease. Therefore, it has been classified as a Variant of Uncertain Significance. The current clinical and genetic evidence is not sufficient to establish whether loss-of-function variants in MTOR cause disease. This variant has not been reported in the literature in individuals with MTOR-related conditions. This variant is not present in population databases (ExAC no frequency).